The following is an entry in ClinVar:

NM_013266.4(CTNNA3):c.2172A>C (p.Pro724=)

Gene: CTNNA3 (catenin alpha 3; minus strand). Cytogenetic location: 10q21.3.
Variant type: single nucleotide variant.
Coding change: c.2172A>C on transcript NM_013266.4 (MANE Select); coding-DNA position 2172, A replaced by C.
Protein change: p.Pro724=; no amino-acid change (proline 724 retained).
Molecular consequence: synonymous variant.
Genome position (GRCh38, 1-based): chr10:65,988,785, T>G on the plus strand (A>C on the coding strand, the complement: CTNNA3 is on the minus strand). VCF-style: chr10-65988785-T-G. GRCh37 (hg19) VCF-style: chr10-67748543-T-G.
Other names: c.2172A>C, p.Pro724= (NM_001127384.3).
Identifiers: ClinVar variation 474823 (VCV000474823.47), dbSNP rs116662854, ClinGen allele CA5519671.

ClinVar aggregate classification (germline): Benign/Likely benign. Review status: criteria provided, multiple submitters, no conflicts (2 of 4 stars). 10 submissions from 10 submitters: Benign (2); Likely benign (5). 3 of the submissions do not count toward it. Last evaluated 2026-01-24.

Conditions:
Arrhythmogenic right ventricular dysplasia 13. Also called: Arrhythmogenic right ventricular dysplasia, familial, 13; ARRHYTHMOGENIC RIGHT VENTRICULAR CARDIOMYOPATHY 13. Identifiers: MedGen C3810138, MONDO:0000908, OMIM 615616.
CTNNA3-related disorder. Also called: CTNNA3-related condition.

Allele frequency attached by ClinVar (database versions not stated): gnomAD exomes 0.00053; ExAC 0.00082; 1000 Genomes Project 0.00180; 1000 Genomes Project 30x 0.00187; gnomAD 0.00191; ESP Exome Variant Server 0.00231; TOPMed 0.00271.
gnomAD v4.1: 606 of 1,613,278 alleles (0.038%); highest among the groups gnomAD compares: African/African-American, 0.7%; 5 homozygotes.

Submissions (10):

Labcorp Genetics (formerly Invitae), Labcorp
Classification: Benign for Arrhythmogenic right ventricular dysplasia 13. Last evaluated: 2026-01-24. Review status: criteria provided, single submitter. Criteria: Invitae Variant Classification Sherloc (09022015). Collection method: clinical testing. Allele origin: germline.

CeGaT Center for Human Genetics Tuebingen
Classification: Likely benign. Last evaluated: 2025-11-01. Review status: criteria provided, single submitter. Criteria: CeGaT Center For Human Genetics Tuebingen Variant Classification Criteria Version 2. Collection method: clinical testing. Allele origin: germline. Affected: yes. Observed: 2 variant alleles.
Comment: CTNNA3: BP4, BP7

Blueprint Genetics
Classification: Likely benign. Last evaluated: 2024-11-26. Review status: criteria provided, single submitter. Criteria: ACMG Guidelines, 2015. Collection method: clinical testing. Allele origin: germline.

Women's Health and Genetics/Laboratory Corporation of America, LabCorp
Classification: Benign. Last evaluated: 2023-12-03. Review status: criteria provided, single submitter. Criteria: LabCorp Variant Classification Summary - May 2015. Collection method: clinical testing. Allele origin: germline.

Ambry Genetics
Classification: Likely benign. Last evaluated: 2022-02-12. Review status: criteria provided, single submitter. Criteria: Ambry Variant Classification Scheme 2023. Collection method: clinical testing. Allele origin: germline.

GeneDx
Classification: Likely benign. Last evaluated: 2021-05-19. Review status: criteria provided, single submitter. Criteria: GeneDx Variant Classification Process June 2021. Collection method: clinical testing. Allele origin: germline. Affected: yes.

Breakthrough Genomics
Classification: Likely benign. Review status: criteria provided, single submitter. Criteria: ACMG Guidelines, 2015. Collection method: not provided. Allele origin: germline. Inheritance: Autosomal dominant inheritance. Affected: yes.

PreventionGenetics, part of Exact Sciences
Classification: Benign for CTNNA3-related condition. Last evaluated: 2024-04-25. Review status: no assertion criteria provided. Collection method: clinical testing. Allele origin: germline. Not counted in ClinVar's aggregate classification.
Comment: This variant is classified as benign based on ACMG/AMP sequence variant interpretation guidelines (Richards et al. 2015 PMID: 25741868, with internal and published modifications).

Clinical Genetics DNA and cytogenetics Diagnostics Lab, Erasmus MC, Erasmus Medical Center
Classification: Likely benign. Review status: no assertion criteria provided. Collection method: clinical testing. Allele origin: germline. Affected: yes. Study: VKGL Data-share Consensus. Not counted in ClinVar's aggregate classification.

Clinical Genetics, Academic Medical Center
Classification: Benign. Review status: no assertion criteria provided. Collection method: clinical testing. Allele origin: germline. Affected: yes. Study: VKGL Data-share Consensus. Not counted in ClinVar's aggregate classification.